The following is an entry in ClinVar:

ClinVar aggregate classification (germline): Likely benign. Review status: criteria provided, multiple submitters, no conflicts (2 of 4 stars). 3 submissions from 3 submitters: Likely benign (2). 1 of the submissions does not count toward it. Last evaluated 2025-03-01.

Conditions:
GTPBP3-related disorder. Also called: GTPBP3-related condition.

Allele frequency attached by ClinVar (database versions not stated): gnomAD 0.00016; TOPMed 0.00017.

Submissions (3):

CeGaT Center for Human Genetics Tuebingen
Classification: Likely benign. Last evaluated: 2025-03-01. Review status: criteria provided, single submitter. Criteria: CeGaT Center For Human Genetics Tuebingen Variant Classification Criteria Version 2. Collection method: clinical testing. Allele origin: germline. Affected: yes. Observed: 1 variant allele.
Comment: GTPBP3: BP4, BP7

Blueprint Genetics
Classification: Likely benign. Last evaluated: 2024-01-09. Review status: criteria provided, single submitter. Criteria: ACMG Guidelines, 2015. Collection method: clinical testing. Allele origin: germline.

PreventionGenetics, part of Exact Sciences
Classification: Likely benign for GTPBP3-related condition. Last evaluated: 2019-10-07. Review status: no assertion criteria provided. Collection method: clinical testing. Allele origin: germline. Not counted in ClinVar's aggregate classification.
Comment: This variant is classified as likely benign based on ACMG/AMP sequence variant interpretation guidelines (Richards et al. 2015 PMID: 25741868, with internal and published modifications).

NM_001195422.1(GTPBP3):c.18T>A (p.Thr6=)

Gene: GTPBP3 (GTP binding protein 3, mitochondrial; plus strand). Cytogenetic location: 19p13.11.
Variant type: single nucleotide variant.
Coding change: c.18T>A on transcript NM_001195422.1; coding-DNA position 18, T replaced by A.
Protein change: p.Thr6=; no amino-acid change (threonine 6 retained).
Molecular consequence: synonymous variant.
Genome position (GRCh38, 1-based): chr19:17,335,021, T>A. VCF-style: chr19-17335021-T-A. GRCh37 (hg19) VCF-style: chr19-17445830-T-A.
Identifiers: ClinVar variation 3045509 (VCV003045509.10), dbSNP rs778966215, ClinGen allele CA306059402.